The following is an entry in ClinVar:

NM_002457.5(MUC2):c.4611C>G (p.Thr1537=)

Gene: MUC2 (mucin 2, oligomeric mucus/gel-forming; plus strand). Cytogenetic location: 11p15.5.
Variant type: single nucleotide variant.
Coding change: c.4611C>G on transcript NM_002457.5 (MANE Select); coding-DNA position 4611, C replaced by G.
Protein change: p.Thr1537=; no amino-acid change (threonine 1537 retained).
Molecular consequence: synonymous variant.
Genome position (GRCh38, 1-based): chr11:1,094,854, C>G. VCF-style: chr11-1094854-C-G. GRCh37 (hg19) VCF-style: chr11-1092792-C-G.
Identifiers: ClinVar variation 4820764 (VCV004820764.4).
Genomic context (GRCh38, chr11:1,094,854, plus strand): 5'-TCCACCAACCACCACTCCCAGCCCTCCAACAACCACCACAACCACCCCTCCACCAACCAC[C>G]ACTCCCAGTCCTCCAACGACTACGCCCATCACTCCACCAACCAGCACTACTACCCTTCCA-3'
Protein context (NP_002448.5, residues 1527-1547): TTTTTTPPPT[Thr1537=]TPSPPTTTPI

ClinVar aggregate classification (germline): Likely benign (1 of 4 stars; one submission).

Submission:

CeGaT Center for Human Genetics Tuebingen
Classification: Likely benign. Last evaluated: 2026-01-01. Review status: criteria provided, single submitter. Criteria: CeGaT Center For Human Genetics Tuebingen Variant Classification Criteria Version 2. Collection method: clinical testing. Allele origin: germline. Affected: yes. Observed: 1 variant allele.
Comment: MUC2: BP4, BP7